The following is an entry in ClinVar:

ClinVar aggregate classification (germline): Uncertain significance (1 of 4 stars; one submission).

gnomAD v4.1: 11 of 1,613,198 alleles (0.00068%); highest among the groups gnomAD compares: South Asian, 0.0022%; no homozygotes.

Submission:

Women's Health and Genetics/Laboratory Corporation of America, LabCorp
Classification: Uncertain significance. Last evaluated: 2024-12-24. Review status: criteria provided, single submitter. Criteria: LabCorp Variant Classification Summary - May 2015. Collection method: clinical testing. Allele origin: germline.
Comment: Variant summary: VWF c.4984C>T (p.Pro1662Ser) results in a non-conservative amino acid change in the encoded protein sequence. Four of five in-silico tools predict a damaging effect of the variant on protein function. The variant allele was found at a frequency of 8e-06 in 249972 control chromosomes. The available data on variant occurrences in the general population are insufficient to allow any conclusion about variant significance. To our knowledge, no occurrence of c.4984C>T in individuals affected with Von Willebrand Disease and no experimental evidence demonstrating its impact on protein function have been reported. No submitters have cited clinical-significance assessments for this variant to ClinVar. Based on the evidence outlined above, the variant was classified as uncertain significance.

NM_000552.5(VWF):c.4984C>T (p.Pro1662Ser)

Gene: VWF (von Willebrand factor; minus strand). Cytogenetic location: 12p13.31.
Variant type: single nucleotide variant.
Coding change: c.4984C>T on transcript NM_000552.5 (MANE Select); coding-DNA position 4984, C replaced by T.
Protein change: p.Pro1662Ser; replaces proline 1662 with serine.
Molecular consequence: missense variant.
Genome position (GRCh38, 1-based): chr12:6,018,434, G>A on the plus strand (C>T on the coding strand, the complement: VWF is on the minus strand). VCF-style: chr12-6018434-G-A. GRCh37 (hg19) VCF-style: chr12-6127600-G-A.
Other names: short protein forms P1662S.
Identifiers: ClinVar variation 3768448 (VCV003768448.1).